The following is an entry in ClinVar:

NM_001164277.2(SLC37A4):c.871+5G>A

Gene: SLC37A4 (solute carrier family 37 member 4; minus strand). Cytogenetic location: 11q23.3.
Variant type: single nucleotide variant.
Coding change: c.871+5G>A on transcript NM_001164277.2 (MANE Select); 5 bases into the intron after coding-DNA position 871, G replaced by A.
Molecular consequence: intron variant.
Genome position (GRCh38, 1-based): chr11:119,026,598, C>T on the plus strand (G>A on the coding strand, the complement: SLC37A4 is on the minus strand). VCF-style: chr11-119026598-C-T. GRCh37 (hg19) VCF-style: chr11-118897308-C-T.
Other names: c.870+5G>A (NM_001164277.2); c.652+5G>A (NM_001164279.2); c.871+5G>A (NM_001467.6, NM_001164278.2, NM_001164280.2).
Identifiers: ClinVar variation 558273 (VCV000558273.5), dbSNP rs1250046397, ClinGen allele CA602177906.

ClinVar aggregate classification (germline): Pathogenic/Likely pathogenic. Review status: criteria provided, multiple submitters, no conflicts (2 of 4 stars). 3 submissions from 3 submitters: Pathogenic (1); Likely pathogenic (1). 1 of the submissions does not count toward it. Last evaluated 2025-06-23.

Conditions:
Glucose-6-phosphate transport defect (GSD1B). Also called: Glycogen Storage Disease Type Ib; GSD Ib. Identifiers: Orphanet 364, Orphanet 79259, MedGen C0268146, MONDO:0009288, OMIM 232220.

Allele frequency attached by ClinVar (database versions not stated): gnomAD 0.00001 and below 0.00001; gnomAD exomes below 0.00001; TOPMed below 0.00001.

Submissions (3):

Natera, Inc.
Classification: Pathogenic for Glycogen storage disease type Ib. Last evaluated: 2025-06-23. Review status: criteria provided, single submitter. Criteria: Natera Variant Classification Schema (03/2026). Collection method: clinical testing. Allele origin: germline.
Comment: The c.870+5G>A variant in SLC37A4 is an intronic variant located outside the canonical splice sites. This variant is rare in the general population with a frequency below the threshold expected for the associated phenotype(s). This variant has been observed in one or more individuals affected with the associated recessive disease, as either homozygous or compound heterozygous with a second variant (PMID: 40009380, 38605407, 32772503). Computational prediction algorithms indicate this variant is likely to affect gene or protein function. Given the available evidence, this variant is classified as Pathogenic.

Juno Genomics, Hangzhou Juno Genomics, Inc
Classification: Likely pathogenic for Glucose-6-phosphate transport defect. Review status: criteria provided, single submitter. Criteria: ACMG Guidelines, 2015. Collection method: clinical testing. Allele origin: germline.
Comment: Absent from controls (or at extremely low frequency if recessive) in Genome Aggregation Database.;Multiple lines of computational evidence support a deleterious effect on the gene or gene product.;For recessive disorders, detected in trans with a pathogenic variant.

Counsyl
Classification: Uncertain significance for Glucose-6-phosphate transport defect. Last evaluated: 2018-05-08. Review status: no assertion criteria provided. Collection method: clinical testing. Allele origin: unknown. Not counted in ClinVar's aggregate classification.

Literature cited by the submitters: PubMed 40009380 (cited by Natera, Inc.); PubMed 38605407 (cited by Natera, Inc.); PubMed 32772503 (cited by Natera, Inc.).